The following is an entry in ClinVar:

NM_000548.5(TSC2):c.710dup (p.Leu238fs)

Gene: TSC2 (TSC complex subunit 2; plus strand). Cytogenetic location: 16p13.3.
Variant type: Duplication.
Coding change: c.710dup on transcript NM_000548.5 (MANE Select); coding-DNA position 710, one base duplicated (C; older notation c.710dupC).
Protein change: p.Leu238fs; shifts the reading frame from leucine 238.
Molecular consequence: frameshift variant.
Genome position (GRCh38, 1-based): chr16:2,056,705, C duplicated; the last of 3 consecutive C bases (chr16:2,056,703-2,056,705); duplicating any one gives the same sequence. VCF-style (leftmost placement, unchanged base first): chr16-2056702-T-TC. GRCh37 (hg19) VCF-style: chr16-2106703-T-TC.
Other names: c.710dupC (NM_000548.3); c.710dup, p.Leu238fs (NM_001077183.3, NM_001114382.3, NM_001363528.2 and 3 more transcripts); c.599dup, p.Leu201fs (NM_001318827.2); c.563dup, p.Leu189fs (NM_001318829.2); c.110dup, p.Leu38fs (NM_001318831.2); c.743dup, p.Leu249fs (NM_001318832.2); short protein forms L38fs, L189fs, L249fs, L201fs, L238fs.
Identifiers: ClinVar variation 535901 (VCV000535901.6), dbSNP rs397515166, ClinGen allele CA658798474.

ClinVar aggregate classification (germline): Pathogenic (1 of 4 stars; one submission).

Conditions:
Tuberous sclerosis 2 (TSC2). Identifiers: Orphanet 805, MedGen C1860707, MONDO:0013199, OMIM 613254.

Submission:

Labcorp Genetics (formerly Invitae), Labcorp
Classification: Pathogenic for Tuberous sclerosis 2. Last evaluated: 2017-11-07. Review status: criteria provided, single submitter. Criteria: Invitae Variant Classification Sherloc (09022015). Collection method: clinical testing. Allele origin: germline.
Comment: For these reasons, this variant has been classified as Pathogenic. Loss-of-function variants in TSC2 are known to be pathogenic (PMID: 10205261, 17304050). This variant has not been reported in the literature in individuals with TSC2-related disease. However a different nucleotide insertion, c.707dupT (reported as c.725insT), that results in the same premature translational stop signal (reported as p.238LeuFS-337X) was reported in an individual affected with tuberous sclerosis (PMID: 10570911). This variant is not present in population databases (ExAC no frequency). This sequence change creates a premature translational stop signal (p.Leu238Alafs*100) in the TSC2 gene. It is expected to result in an absent or disrupted protein product.

Literature cited by the submitters: PubMed 10205261; PubMed 17304050; PubMed 10570911.